The following is an entry in ClinVar:

ClinVar aggregate classification (germline): Conflicting classifications of pathogenicity. Review status: criteria provided, conflicting classifications (1 of 4 stars). 9 submissions from 9 submitters: Uncertain significance (7); Likely benign (1). 1 of the submissions does not count toward it. Last evaluated 2026-08-11.

Conditions:
FANCA-related disorder. Also called: FANCA-related condition.
Inborn genetic diseases. Identifiers: MedGen C0950123, MeSH D030342.
Fanconi anemia (FA). Also called: Fanconi's anemia. Identifiers: Orphanet 84, MedGen C0015625, MeSH D005199, MONDO:0019391.
Fanconi anemia complementation group A (FANCA). Also called: FANCA-Related Fanconi Anemia; Fanconi anemia, group A. Identifiers: Orphanet 84, MedGen C3469521, MONDO:0009215, OMIM 227650.

Allele frequency attached by ClinVar (database versions not stated): TOPMed 0.00033; ESP Exome Variant Server 0.00038.
gnomAD v4.1: 174 of 1,614,078 alleles (0.011%); highest among the groups gnomAD compares: African/African-American, 0.1%; no homozygotes.

Submissions (9):

Myriad Genetics, Inc.
Classification: Uncertain significance for Fanconi anemia complementation group A. Last evaluated: 2026-08-11. Review status: criteria provided, single submitter. Criteria: Myriad Autosomal Dominant, Autosomal Recessive and X-Linked Classification Criteria (2023). Collection method: clinical testing. Allele origin: unknown.
Comment: NM_000135.2(FANCA):c.377C>T(T126M) is a missense variant classified as a variant of uncertain significance in the context of Fanconi anemia complementation group A. T126M has not been observed in cases with relevant disease. Relevant functional assessments of this variant are not available in the literature. T126M has been observed in referenced population frequency databases. In summary, there is insufficient evidence to classify NM_000135.2(FANCA):c.377C>T(T126M) as pathogenic or benign. Please note: this variant was assessed in the context of healthy population screening.

Labcorp Genetics (formerly Invitae), Labcorp
Classification: Likely benign for Fanconi anemia. Last evaluated: 2026-01-08. Review status: criteria provided, single submitter. Criteria: Invitae Variant Classification Sherloc (09022015). Collection method: clinical testing. Allele origin: germline.

PreventionGenetics, part of Exact Sciences
Classification: Uncertain significance for FANCA-related condition. Last evaluated: 2025-07-23. Review status: criteria provided, single submitter. Criteria: ACMG Guidelines, 2015. Collection method: clinical testing. Allele origin: germline.
Comment: The FANCA c.377C>T variant is predicted to result in the amino acid substitution p.Thr126Met. This variant has been reported in an individual with pancreatic adenocarcinoma with no family history of cancer (Rodrigues et al. 2024. PMID: 39256447). This variant is reported in 0.088% of alleles in individuals of African descent in gnomAD and is interpreted has conflicting interpretations of likely benign and uncertain significance in ClinVar (variation ID: 408207). Although we suspect that this variant may be benign, the clinical significance of this variant is classified as uncertain at this time due to insufficient functional and genetic evidence.

Quest Diagnostics Nichols Institute San Juan Capistrano
Classification: Uncertain significance. Last evaluated: 2024-10-07. Review status: criteria provided, single submitter. Criteria: Quest Diagnostics criteria. Collection method: clinical testing. Allele origin: unknown.
Comment: The FANCA c.377C>T (p.Thr126Met) variant has been reported in the published literature in an individual with pancreatic adenocarcinoma (PMID: 39256447 (2024)). The frequency of this variant in the general population, 0.00088 (22/24940 chromosomes in African/African American subpopulation (Genome Aggregation Database)), is higher than would generally be expected for pathogenic variants in this gene. Analysis of this variant using bioinformatics tools for the prediction of the effect of amino acid changes on protein structure and function yielded predictions that this variant is benign. Based on the available information, we are unable to determine the clinical significance of this variant.

St. Jude Molecular Pathology, St. Jude Children's Research Hospital
Classification: Uncertain significance for Fanconi anemia complementation group A. Last evaluated: 2024-04-04. Review status: criteria provided, single submitter. Criteria: St. Jude Assertion Criteria 2020. Collection method: clinical testing. Allele origin: germline.
Comment: The FANCA c.377C>T (p.Thr126Met) missense change has a maximum subpopulation frequency of 0.088% in gnomAD v2.1.1. The in silico tool REVEL predicts a benign effect on protein function, but to our knowledge this prediction has not been confirmed by functional studies. To our knowledge, this variant has not been reported in individuals with Fanconi anemia. In summary, the evidence currently available is insufficient to determine the clinical significance of this variant. It has therefore been classified as of uncertain significance.

GeneDx
Classification: Uncertain significance. Last evaluated: 2022-01-07. Review status: criteria provided, single submitter. Criteria: GeneDx Variant Classification Process June 2021. Collection method: clinical testing. Allele origin: germline. Affected: yes.
Comment: In silico analysis supports that this missense variant does not alter protein structure/function; Has not been previously published as pathogenic or benign to our knowledge

Ambry Genetics
Classification: Uncertain significance for Inborn genetic diseases. Last evaluated: 2021-11-22. Review status: criteria provided, single submitter. Criteria: Ambry Variant Classification Scheme 2023. Collection method: clinical testing. Allele origin: germline.

Neuberg Centre For Genomic Medicine, NCGM
Classification: Uncertain significance for Fanconi anemia complementation group A. Review status: criteria provided, single submitter. Criteria: ACMG Guidelines, 2015. Collection method: clinical testing. Allele origin: germline. Inheritance: Autosomal recessive inheritance. Affected: yes.
Comment: The missense variant p.Thr126Met in FANCA (NM_000235.4) has been submitted to ClinVar as a Variant of Uncertain Significance, but no details are available for independent assessment. It has not been reported in affected individuals. The p.Thr126Met variant is novel (not in any individuals) in 1000 Genomes. The amino acid Thr at position 126 is changed to a Met changing protein sequence and it might alter its composition and physico-chemical properties. In silico tools predict the variant to be tolerated. The residue is variable across species. For these reasons, this variant has been classified as Uncertain Significance.

Natera, Inc.
Classification: Uncertain significance for Fanconi anemia, group A. Last evaluated: 2019-10-28. Review status: no assertion criteria provided. Collection method: clinical testing. Allele origin: germline. Not counted in ClinVar's aggregate classification.

Literature cited by the submitters: PubMed 39256447 (cited by Quest Diagnostics Nichols Institute San Juan Capistrano).

NM_000135.4(FANCA):c.377C>T (p.Thr126Met)

Gene: FANCA (FA complementation group A; minus strand). Cytogenetic location: 16q24.3.
Variant type: single nucleotide variant.
Coding change: c.377C>T on transcript NM_000135.4 (MANE Select); coding-DNA position 377, C replaced by T.
Protein change: p.Thr126Met; replaces threonine 126 with methionine.
Molecular consequence: missense variant.
Genome position (GRCh38, 1-based): chr16:89,810,978, G>A on the plus strand (C>T on the coding strand, the complement: FANCA is on the minus strand). VCF-style: chr16-89810978-G-A. GRCh37 (hg19) VCF-style: chr16-89877386-G-A.
Other names: c.377C>T (LRG_495t1, NM_000135.3); c.377C>T, p.Thr126Met (NM_001018112.3, NM_001286167.3, NM_001351830.2); short protein forms T126M.
Identifiers: ClinVar variation 408207 (VCV000408207.21), dbSNP rs139160837, ClinGen allele CA8253048.